The following is an entry in ClinVar:

NM_015909.4(NBAS):c.3163C>T (p.Leu1055Phe)

Gene: NBAS (NBAS subunit of NRZ tethering complex; minus strand). Cytogenetic location: 2p24.3.
Variant type: single nucleotide variant.
Coding change: c.3163C>T on transcript NM_015909.4 (MANE Select); coding-DNA position 3163, C replaced by T.
Protein change: p.Leu1055Phe; replaces leucine 1055 with phenylalanine.
Molecular consequence: missense variant. On other transcripts: non-coding transcript variant (1).
Genome position (GRCh38, 1-based): chr2:15,394,321, G>A on the plus strand (C>T on the coding strand, the complement: NBAS is on the minus strand). VCF-style: chr2-15394321-G-A. GRCh37 (hg19) VCF-style: chr2-15534445-G-A.
Other names: short protein forms L1055F.
Identifiers: ClinVar variation 1717077 (VCV001717077.3), dbSNP rs780774161, ClinGen allele CA1536120.

ClinVar aggregate classification (germline): Uncertain significance (1 of 4 stars; one submission).

Allele frequency attached by ClinVar (database versions not stated): gnomAD exomes below 0.00001; ExAC 0.00001.
gnomAD v4.1: 2 of 1,612,954 alleles (0.00012%); highest among the groups gnomAD compares: South Asian, 0.0011%; no homozygotes.

Submission:

Labcorp Genetics (formerly Invitae), Labcorp
Classification: Uncertain significance. Last evaluated: 2022-08-20. Review status: criteria provided, single submitter. Criteria: Invitae Variant Classification Sherloc (09022015). Collection method: clinical testing. Allele origin: germline.
Comment: This sequence change replaces leucine, which is neutral and non-polar, with phenylalanine, which is neutral and non-polar, at codon 1055 of the NBAS protein (p.Leu1055Phe). This variant is present in population databases (rs780774161, gnomAD 0.007%). This variant has not been reported in the literature in individuals affected with NBAS-related conditions. Algorithms developed to predict the effect of missense changes on protein structure and function are either unavailable or do not agree on the potential impact of this missense change (SIFT: "Deleterious"; PolyPhen-2: "Possibly Damaging"; Align-GVGD: "Class C15"). In summary, the available evidence is currently insufficient to determine the role of this variant in disease. Therefore, it has been classified as a Variant of Uncertain Significance.